The following is an entry in ClinVar:

ClinVar aggregate classification (germline): Uncertain significance (1 of 4 stars; one submission).

Conditions:
Hypertrophic cardiomyopathy 26. Also called: Cardiomyopathy, familial hypertrophic, 26. Identifiers: Orphanet 75249, MedGen C4310749, MONDO:0014883, OMIM 617047.
Myofibrillar myopathy 5. Also called: FILAMINOPATHY, AUTOSOMAL DOMINANT; Filaminopathy (type). Identifiers: Orphanet 171445, MedGen C1836050, MONDO:0012289, OMIM 609524.
Distal myopathy with posterior leg and anterior hand involvement. Also called: WILLIAMS DISTAL MYOPATHY. Identifiers: Orphanet 63273, MedGen C3279722, MONDO:0013550, OMIM 614065.

gnomAD v4.1: 1 of 1,613,200 alleles (0.000062%); highest among the groups gnomAD compares: Non-Finnish European, 0.000085%; no homozygotes.

Submission:

Labcorp Genetics (formerly Invitae), Labcorp
Classification: Uncertain significance for Distal myopathy with posterior leg and anterior hand involvement; Myofibrillar myopathy 5; Hypertrophic cardiomyopathy 26. Last evaluated: 2018-07-09. Review status: criteria provided, single submitter. Criteria: Invitae Variant Classification Sherloc (09022015). Collection method: clinical testing. Allele origin: germline.
Comment: Algorithms developed to predict the effect of missense changes on protein structure and function are either unavailable or do not agree on the potential impact of this missense change (SIFT: "Deleterious"; PolyPhen-2: "Probably Damaging"; Align-GVGD: "Class C0"). In summary, the available evidence is currently insufficient to determine the role of this variant in disease. Therefore, it has been classified as a Variant of Uncertain Significance. This variant has not been reported in the literature in individuals with FLNC-related disease. This variant is not present in population databases (ExAC no frequency). This sequence change replaces glutamic acid with glutamine at codon 1261 of the FLNC protein (p.Glu1261Gln). The glutamic acid residue is moderately conserved and there is a small physicochemical difference between glutamic acid and glutamine.

NM_001458.5(FLNC):c.3781G>C (p.Glu1261Gln)

Gene: FLNC (filamin C; plus strand). Cytogenetic location: 7q32.1.
Variant type: single nucleotide variant.
Coding change: c.3781G>C on transcript NM_001458.5 (MANE Select); coding-DNA position 3781, G replaced by C.
Protein change: p.Glu1261Gln; replaces glutamic acid 1261 with glutamine.
Molecular consequence: missense variant.
Genome position (GRCh38, 1-based): chr7:128,845,246, G>C. VCF-style: chr7-128845246-G-C. GRCh37 (hg19) VCF-style: chr7-128485300-G-C.
Other names: c.3781G>C, p.Glu1261Gln (NM_001127487.2); short protein forms E1261Q.
Identifiers: ClinVar variation 653797 (VCV000653797.9), dbSNP rs747033771, ClinGen allele CA369198063.